The following is an entry in ClinVar:

ClinVar aggregate classification (germline): Benign/Likely benign. Review status: criteria provided, multiple submitters, no conflicts (2 of 4 stars). 3 submissions from 3 submitters: Benign (1); Likely benign (2). Last evaluated 2026-08-20.

Conditions:
Lynch syndrome 4 (LYNCH4). Also called: Colorectal cancer, hereditary nonpolyposis, type 4; Hereditary non-polyposis colorectal cancer, type 4. Identifiers: Orphanet 144, MedGen C1838333, MONDO:0013699, OMIM 614337. Disease mechanism: loss of function.
Hereditary cancer-predisposing syndrome. Also called: Hereditary neoplastic syndrome; Hereditary Cancer Syndrome; Neoplastic Syndromes, Hereditary; Tumor predisposition. Identifiers: Orphanet 140162, MedGen C0027672, MeSH D009386, MONDO:0015356.
Hereditary nonpolyposis colorectal neoplasms. Identifiers: MedGen C0009405, MeSH D003123.

Submissions (3):

Ambry Genetics
Classification: Likely benign for Hereditary cancer-predisposing syndrome. Last evaluated: 2026-08-20. Review status: criteria provided, single submitter. Criteria: Ambry Variant Classification Scheme 2023. Collection method: clinical testing. Allele origin: germline.

Myriad Genetics, Inc.
Classification: Benign for Lynch syndrome 4. Last evaluated: 2025-01-29. Review status: criteria provided, single submitter. Criteria: Myriad Autosomal Dominant, Autosomal Recessive and X-Linked Classification Criteria (2023). Collection method: clinical testing. Allele origin: unknown.
Comment: This variant is considered benign. This variant is a silent/synonymous amino acid change and it is not expected to impact splicing.

Labcorp Genetics (formerly Invitae), Labcorp
Classification: Likely benign for Hereditary nonpolyposis colorectal neoplasms. Last evaluated: 2024-12-31. Review status: criteria provided, single submitter. Criteria: Invitae Variant Classification Sherloc (09022015). Collection method: clinical testing. Allele origin: germline.

NM_000535.7(PMS2):c.954T>C (p.Tyr318=)

Gene: PMS2 (PMS1 homolog 2, mismatch repair system component; minus strand). Cytogenetic location: 7p22.1.
Variant type: single nucleotide variant.
Coding change: c.954T>C on transcript NM_000535.7 (MANE Select); coding-DNA position 954, T replaced by C.
Protein change: p.Tyr318=; no amino-acid change (tyrosine 318 retained).
Molecular consequence: synonymous variant. On other transcripts: non-coding transcript variant (1), intron variant (1).
Genome position (GRCh38, 1-based): chr7:5,992,007, A>G on the plus strand (T>C on the coding strand, the complement: PMS2 is on the minus strand). VCF-style: chr7-5992007-A-G. GRCh37 (hg19) VCF-style: chr7-6031638-A-G.
Other names: c.954T>C, p.Tyr318= (NM_001322006.2, NM_001322014.2, NM_001406870.1 and 2 more transcripts); c.636T>C, p.Tyr212= (NM_001322007.2, NM_001322008.2, NM_001406876.1 and 4 more transcripts); c.549T>C, p.Tyr183= (NM_001322009.2, NM_001322010.2, NM_001018040.1 and 20 more transcripts); c.21T>C, p.Tyr7= (NM_001322011.2, NM_001322012.2); c.381T>C, p.Tyr127= (NM_001322013.2, NM_001406909.1); c.645T>C, p.Tyr215= (NM_001322015.2, NM_001406875.1, NM_001406877.1 and 6 more transcripts); c.1140T>C, p.Tyr380= (NM_001406866.1); c.978T>C, p.Tyr326= (NM_001406868.1); and 8 more.
Identifiers: ClinVar variation 2701227 (VCV002701227.5), dbSNP rs2128755485, ClinGen allele CA453645172.